The following is an entry in ClinVar:

NM_000038.6(APC):c.2938A>T (p.Lys980Ter)

Gene: APC (APC regulator of Wnt signaling pathway; plus strand). Cytogenetic location: 5q22.2.
Variant type: single nucleotide variant.
Coding change: c.2938A>T on transcript NM_000038.6 (MANE Select); coding-DNA position 2938, A replaced by T.
Protein change: p.Lys980Ter; replaces lysine 980 with a stop codon.
Molecular consequence: nonsense.
Genome position (GRCh38, 1-based): chr5:112,838,532, A>T. VCF-style: chr5-112838532-A-T. GRCh37 (hg19) VCF-style: chr5-112174229-A-T.
Other names: c.2938A>T, p.Lys980Ter (NM_001127510.3, NM_001354895.2); c.2884A>T, p.Lys962Ter (NM_001127511.3); c.2992A>T, p.Lys998Ter (NM_001354896.2); c.2968A>T, p.Lys990Ter (NM_001354897.2); c.2863A>T, p.Lys955Ter (NM_001354898.2); c.2854A>T, p.Lys952Ter (NM_001354899.2); c.2815A>T, p.Lys939Ter (NM_001354900.2); c.2761A>T, p.Lys921Ter (NM_001354901.2); and 5 more; short protein forms K962*, K980*, K854*, K879*, K921*, K889*, K939*, K952*.
Identifiers: ClinVar variation 433637 (VCV000433637.2), dbSNP rs1554084592, ClinGen allele CA16027752.

ClinVar aggregate classification (germline): Pathogenic (0 of 4 stars; one submission).

Conditions:
Carcinoma of colon (CRC). Also called: Colon carcinoma; Colonic carcinoma. Identifiers: MedGen C0699790, MONDO:0002032.

Submission:

Department of Pathology and Laboratory Medicine, Sinai Health System
Classification: Pathogenic for Carcinoma of colon. Review status: no assertion criteria provided. Collection method: clinical testing. Allele origin: unknown. Affected: yes. Study: The Canadian Open Genetics Repository (COGR).
Comment: The p.Lys980X variant was not identified in the literature nor was it identified in the dbSNP, Clinvitae database, COSMIC, â€šÃ„ÃºMismatch Repair Genes Variant Databaseâ€šÃ„Ã¹, â€šÃ„ÃºMMR Gene Unclassified Variants Databaseâ€šÃ„Ã¹, InSiGHT Colon Cancer Gene Variant Database (LOVD), Zhejiang Colon Cancer Database (LOVD), ClinVar database, GeneInsight - COGR database, or UMD databases. The variant was not identified in control databases including the Exome Aggregation Consortium (ExAC) Browser, 1000 Genomes and the Exome Sequencing Project. The p.Lys980X variant leads to a premature stop codon at position 980, which is predicted to lead to a truncated or absent protein and loss of function. Loss of function variants of the APC gene are an established mechanism of disease in familial adenomatous polyposis and is the type of variant expected to cause the disorder. Notably, this variant occurs 50 base pairs before the penultimate exon junction/in the last exon of the gene and stop codon or nonsense mutations in this region may not be subjected to nonsense mediated RNA decay, although further study would be required to validate this hypothesis and it is currently not possible to determine whether or not this might influence the severity of the disorder. In summary, based on the above information, this variant meets our laboratoryâ€šÃ„Ã´s criteria to be classified as pathogenic.